The following is an entry in ClinVar:

ClinVar aggregate classification (germline): Conflicting classifications of pathogenicity. Review status: criteria provided, conflicting classifications (1 of 4 stars). 5 submissions from 5 submitters: Uncertain significance (1); Benign (1); Likely benign (3). Last evaluated 2025-12-15.

Conditions:
Spondyloepimetaphyseal dysplasia-short limb-abnormal calcification syndrome (SMED-SL). Also called: SMED, TYPE II; SMED-SL/AC; Spondylometaepiphyseal dysplasia, short limb-hand type; SMED short limb-hand type; SMED type 2; Spondylometaepiphyseal dysplasia short limb-abnormal calcification type. Identifiers: Orphanet 93358, MedGen C1849011, MONDO:0010077, OMIM 271665.

Allele frequency attached by ClinVar (database versions not stated): 1000 Genomes Project 0.00020; 1000 Genomes Project 30x 0.00047; TOPMed 0.00083; ESP Exome Variant Server 0.00100.
gnomAD v4.1: 1,770 of 1,614,150 alleles (0.11%); highest among the groups gnomAD compares: Non-Finnish European, 0.13%; 6 homozygotes.

Submissions (5):

Labcorp Genetics (formerly Invitae), Labcorp
Classification: Benign. Last evaluated: 2025-12-15. Review status: criteria provided, single submitter. Criteria: Invitae Variant Classification Sherloc (09022015). Collection method: clinical testing. Allele origin: germline.

Blueprint Genetics
Classification: Likely benign. Last evaluated: 2024-11-22. Review status: criteria provided, single submitter. Criteria: ACMG Guidelines, 2015. Collection method: clinical testing. Allele origin: germline.

CeGaT Center for Human Genetics Tuebingen
Classification: Likely benign. Last evaluated: 2023-10-01. Review status: criteria provided, single submitter. Criteria: CeGaT Center For Human Genetics Tuebingen Variant Classification Criteria Version 2. Collection method: clinical testing. Allele origin: germline. Affected: yes. Observed: 1 variant allele.
Comment: DDR2: BP4

GeneDx
Classification: Likely benign. Last evaluated: 2020-11-29. Review status: criteria provided, single submitter. Criteria: GeneDx Variant Classification Process June 2021. Collection method: clinical testing. Allele origin: germline. Affected: yes.

Illumina Laboratory Services, Illumina
Classification: Uncertain significance for Spondyloepimetaphyseal dysplasia-short limb-abnormal calcification syndrome. Last evaluated: 2018-01-13. Review status: criteria provided, single submitter. Criteria: ICSL Variant Classification Criteria 13 December 2019. Collection method: clinical testing. Allele origin: germline.

NM_006182.4(DDR2):c.243T>C (p.Asp81=)

Gene: DDR2 (discoidin domain receptor tyrosine kinase 2; plus strand). Cytogenetic location: 1q23.3.
Variant type: single nucleotide variant.
Coding change: c.243T>C on transcript NM_006182.4 (MANE Select); coding-DNA position 243, T replaced by C.
Protein change: p.Asp81=; no amino-acid change (aspartic acid 81 retained).
Molecular consequence: synonymous variant.
Genome position (GRCh38, 1-based): chr1:162,754,681, T>C. VCF-style: chr1-162754681-T-C. GRCh37 (hg19) VCF-style: chr1-162724471-T-C.
Other names: c.243T>C, p.Asp81= (NM_001014796.3, NM_001354982.2, NM_001354983.2).
Identifiers: ClinVar variation 733146 (VCV000733146.39), dbSNP rs138537887, ClinGen allele CA1217202.